The following is an entry in ClinVar:

NM_015443.4(KANSL1):c.2620A>G (p.Thr874Ala)

Gene: KANSL1 (KAT8 regulatory NSL complex subunit 1). Cytogenetic location: 17q21.31.
Variant type: single nucleotide variant.
Coding change: c.2620A>G on transcript NM_015443.4 (MANE Select); coding-DNA position 2620, A replaced by G.
Protein change: p.Thr874Ala; replaces threonine 874 with alanine.
Molecular consequence: missense variant.
Genome position (GRCh38, 1-based): chr17:46,034,207, T>C on the plus strand (A>G on the coding strand, the complement: KANSL1 is on the minus strand). VCF-style: chr17-46034207-T-C. GRCh37 (hg19) VCF-style: chr17-44111573-T-C.
Other names: c.2617A>G, p.Thr873Ala (NM_001193465.2, NM_001405856.1, NM_001405857.1 and 1 more transcripts); c.2620A>G, p.Thr874Ala (NM_001193466.2, NM_001379198.1, NM_001405854.1 and 4 more transcripts); c.2518A>G, p.Thr840Ala (NM_001405859.1, NM_001405860.1); c.2515A>G, p.Thr839Ala (NM_001405861.1, NM_001405881.1); c.2431A>G, p.Thr811Ala (NM_001405875.1, NM_001405876.1, NM_001405877.1 and 1 more transcripts); c.2428A>G, p.Thr810Ala (NM_001405879.1, NM_001405880.1); c.1354A>G, p.Thr452Ala (NM_001405882.1); c.1351A>G, p.Thr451Ala (NM_001405883.1); and 2 more; short protein forms T388A, T389A, T451A, T452A, T810A, T811A, T839A, T840A.
Identifiers: ClinVar variation 2631189 (VCV002631189.1), dbSNP rs2510406242, ClinGen allele CA399989215.

ClinVar aggregate classification (germline): Uncertain significance (1 of 4 stars; one submission).

Conditions:
KANSL1-related disorder. Also called: KANSL1-related condition.

Submission:

PreventionGenetics, part of Exact Sciences
Classification: Uncertain significance for KANSL1-related condition. Last evaluated: 2023-08-10. Review status: criteria provided, single submitter. Criteria: ACMG Guidelines, 2015. Collection method: clinical testing. Allele origin: germline.
Comment: The KANSL1 c.2620A>G variant is predicted to result in the amino acid substitution p.Thr874Ala. To our knowledge, this variant has not been reported in the literature or in a large population database, indicating this variant is rare. At this time, the clinical significance of this variant is uncertain due to the absence of conclusive functional and genetic evidence.